The following is an entry in ClinVar:

ClinVar aggregate classification (germline): Pathogenic. Review status: criteria provided, multiple submitters, no conflicts (2 of 4 stars). 11 submissions from 11 submitters: Pathogenic (11). Last evaluated 2026-01-21.

Conditions:
KRIT1-related disorder. Also called: KRIT1-related disorders; KRIT1-related condition.
Inborn genetic diseases. Identifiers: MedGen C0950123, MeSH D030342.
Cerebral cavernous malformation (CCM). Also called: CAVERNOUS ANGIOMA, FAMILIAL; CAVERNOUS ANGIOMATOUS MALFORMATIONS; CEREBRAL CAPILLARY MALFORMATIONS; Cavernous Hemangioma of Brain; Cerebral cavernous hemangioma (type); Cerebral cavernous malformations. Identifiers: Orphanet 221061, MedGen C2919945, MONDO:0000820, OMIM 116860, HP:0033522.

gnomAD v4.1: 2 of 1,607,562 alleles (0.00012%); highest among the groups gnomAD compares: Non-Finnish European, 0.00017%; no homozygotes.

Submissions (11):

Labcorp Genetics (formerly Invitae), Labcorp
Classification: Pathogenic for Cerebral cavernous malformation. Last evaluated: 2026-01-21. Review status: criteria provided, single submitter. Criteria: Invitae Variant Classification Sherloc (09022015). Collection method: clinical testing. Allele origin: germline.
Comment: This sequence change creates a premature translational stop signal (p.Arg423*) in the KRIT1 gene. It is expected to result in an absent or disrupted protein product. Loss-of-function variants in KRIT1 are known to be pathogenic (PMID: 10508515, 11222804, 12404106, 24689081). This variant is not present in population databases (gnomAD no frequency). This premature translational stop signal has been observed in individuals with cerebral cavernous malformations (PMID: 12404106, 23595507, 24689081). ClinVar contains an entry for this variant (Variation ID: 265216). Algorithms developed to predict the effect of sequence changes on RNA splicing suggest that this variant may disrupt the consensus splice site. For these reasons, this variant has been classified as Pathogenic.

Ambry Genetics
Classification: Pathogenic for Inborn genetic diseases. Last evaluated: 2025-12-15. Review status: criteria provided, single submitter. Criteria: Ambry Variant Classification Scheme 2023. Collection method: clinical testing. Allele origin: germline.
Comment: The c.1267C>T (p.R423*) alteration, located in exon 14 (coding exon 10) of the KRIT1 gene, consists of a C to T substitution at nucleotide position 1267. This changes the amino acid from a arginine (R) to a stop codon at amino acid position 423. This alteration is expected to result in loss of function by premature protein truncation or nonsense-mediated mRNA decay. This variant was not reported in population-based cohorts in the Genome Aggregation Database (gnomAD). This variant was identified in one or more individuals with features consistent with KRIT1-related cerebral cavernous malformations and segregated with disease in at least one family (Matarneh, 2022; Nardella, 2018; Spiegler, 2014; Riant, 2013; Cav&eacute;-Riant, 2002). Based on the available evidence, this alteration is classified as pathogenic.

GeneDx
Classification: Pathogenic. Last evaluated: 2025-12-10. Review status: criteria provided, single submitter. Criteria: GeneDx Variant Classification Process June 2021. Collection method: clinical testing. Allele origin: germline. Affected: yes.
Comment: Not observed at significant frequency in large population cohorts (gnomAD); Nonsense variant predicted to result in protein truncation or nonsense mediated decay in a gene for which loss of function is a known mechanism of disease; This variant is associated with the following publications: (PMID: 25525159, 23595507, 12404106, 31254430, 33911302, 34634677, 28867399, 34964173, 24689081)

PreventionGenetics, part of Exact Sciences
Classification: Pathogenic for KRIT1-related condition. Last evaluated: 2025-01-13. Review status: criteria provided, single submitter. Criteria: ACMG Guidelines, 2015. Collection method: clinical testing. Allele origin: germline.
Comment: The KRIT1 c.1267C>T variant is predicted to result in premature protein termination (p.Arg423*). This variant has been reported to be causative for cerebral cavernous malformations (CCMs) (Cave-Riant et al. 2002. PubMed ID: 12404106; Fusco et al. 2019. PubMed ID: 31254430 ). It has been observed at PreventionGenetics in several affected families (Internal Data). This variant has not been reported in a large population database (gnomAD), indicating this variant is rare. Nonsense variants in KRIT1 are expected to be pathogenic. This variant is interpreted as pathogenic.

Mayo Clinic Laboratories, Mayo Clinic
Classification: Pathogenic. Last evaluated: 2024-12-12. Review status: criteria provided, single submitter. Criteria: ACMG Guidelines, 2015. Collection method: clinical testing. Allele origin: germline. Observed: 1 variant allele.
Comment: PP1_strong, PS4_moderate, PVS1

ARUP Laboratories, Molecular Genetics and Genomics, ARUP Laboratories
Classification: Pathogenic. Last evaluated: 2024-08-19. Review status: criteria provided, single submitter. Criteria: ARUP Molecular Germline Variant Investigation Process 2024. Collection method: clinical testing. Allele origin: germline.
Comment: The KRIT c.1267C>T; p.Arg423Ter variant (rs886039402) is reported in the literature in multiple individuals affected with cerebral cavernous malformations (Cave-Riant 2002, Riant 2013, Spiegler 2014). This variant is also reported in ClinVar (Variation ID: 265216). This variant is absent from the Genome Aggregation Database, indicating it is not a common polymorphism. This variant induces an early termination codon and is predicted to result in a truncated protein or mRNA subject to nonsense-mediated decay. Based on available information, this variant is considered to be pathogenic. References: Cave-Riant et al. Spectrum and expression analysis of KRIT1 mutations in 121 consecutive and unrelated patients with Cerebral Cavernous Malformations. Eur J Hum Genet. 2002; 10(11):733-740. Riant F et al. CCM molecular screening in a diagnosis context: novel unclassified variants leading to abnormal splicing and importance of large deletions. Neurogenetics. 2013 May;14(2):133-41. PMID: 23595507. Spiegler S et al. High mutation detection rates in cerebral cavernous malformation upon stringent inclusion criteria: one-third of probands are minors. Mol Genet Genomic Med. 2014 Mar;2(2):176-85. PMID: 24689081.

Equipe Genetique des Anomalies du Developpement, Université de Bourgogne
Classification: Pathogenic for Cerebral cavernous malformation. Last evaluated: 2023-10-18. Review status: criteria provided, single submitter. Criteria: ACMG Guidelines, 2015. Collection method: clinical testing. Allele origin: germline. Affected: yes.

Blueprint Genetics
Classification: Pathogenic for KRIT1-related disorders. Last evaluated: 2023-05-11. Review status: criteria provided, single submitter. Criteria: ACMG Guidelines, 2015. Collection method: clinical testing. Allele origin: germline. Affected: yes. Observed: 5 variant alleles.

MGZ Medical Genetics Center
Classification: Pathogenic for Cerebral cavernous malformation. Last evaluated: 2022-07-29. Review status: criteria provided, single submitter. Criteria: ACMG Guidelines, 2015. Collection method: clinical testing. Allele origin: germline. Affected: yes. Observed: 1 variant allele.
Comment: ACMG criteria applied: PVS1, PS4_MOD, PM2_SUP

Athena Diagnostics
Classification: Pathogenic. Last evaluated: 2022-06-08. Review status: criteria provided, single submitter. Criteria: Athena Diagnostics Criteria. Collection method: clinical testing. Allele origin: unknown.
Comment: This variant is expected to result in the loss of a functional protein. This variant has not been reported in large, multi-ethnic general populations. This variant has been identified in multiple unrelated individuals with clinical features associated with this gene.

Centre for Mendelian Genomics, University Medical Centre Ljubljana
Classification: Pathogenic for Cerebral cavernous malformation. Last evaluated: 2020-03-15. Review status: criteria provided, single submitter. Criteria: ACMG Guidelines, 2015. Collection method: clinical testing. Allele origin: unknown. Affected: yes.
Comment: This variant was classified as: Pathogenic. The following ACMG criteria were applied in classifying this variant: PVS1,PS4_MOD,PM2,PP4.

Literature cited by the submitters: PubMed 10508515 (cited by Labcorp Genetics (formerly Invitae), Labcorp); PubMed 11222804 (cited by Labcorp Genetics (formerly Invitae), Labcorp); PubMed 12404106 (cited by 4 submitters); PubMed 24689081 (cited by 4 submitters); PubMed 23595507 (cited by 3 submitters); PubMed 30161288 (cited by 3 submitters); PubMed 34964173 (cited by 3 submitters); PubMed 26682556 (cited by Mayo Clinic Laboratories, Mayo Clinic and Athena Diagnostics); PubMed 28645800 (cited by Mayo Clinic Laboratories, Mayo Clinic and Athena Diagnostics); PubMed 28867399 (cited by Mayo Clinic Laboratories, Mayo Clinic and Athena Diagnostics); PubMed 31254430 (cited by Mayo Clinic Laboratories, Mayo Clinic and Athena Diagnostics); PubMed 33911302 (cited by Mayo Clinic Laboratories, Mayo Clinic and Athena Diagnostics); PubMed 34634677 (cited by Mayo Clinic Laboratories, Mayo Clinic and Athena Diagnostics); PubMed 25525159 (cited by Athena Diagnostics).

NM_194454.3(KRIT1):c.1267C>T (p.Arg423Ter)

Gene: KRIT1 (KRIT1 ankyrin repeat containing; minus strand). Cytogenetic location: 7q21.2.
Variant type: single nucleotide variant.
Coding change: c.1267C>T on transcript NM_194454.3 (MANE Select); coding-DNA position 1267, C replaced by T.
Protein change: p.Arg423Ter; replaces arginine 423 with a stop codon.
Molecular consequence: nonsense.
Genome position (GRCh38, 1-based): chr7:92,222,966, G>A on the plus strand (C>T on the coding strand, the complement: KRIT1 is on the minus strand). VCF-style: chr7-92222966-G-A. GRCh37 (hg19) VCF-style: chr7-91852280-G-A.
Other names: p.Arg423*; c.1123C>T, p.Arg375Ter (NM_001013406.2, NM_001350669.1, NM_001350670.1); c.553C>T, p.Arg185Ter (NM_001350671.1); c.1267C>T, p.Arg423Ter (NM_001350672.1, NM_001350673.1, NM_001350674.1 and 26 more transcripts); short protein forms R423*, R375*, R185*.
Identifiers: ClinVar variation 265216 (VCV000265216.31), dbSNP rs886039402, ClinGen allele CA10588438.